The following is an entry in ClinVar:

NM_032447.5(FBN3):c.7846G>A (p.Gly2616Arg)

Gene: FBN3 (fibrillin 3; minus strand). Cytogenetic location: 19p13.2.
Variant type: single nucleotide variant.
Coding change: c.7846G>A on transcript NM_032447.5 (MANE Select); coding-DNA position 7846, G replaced by A.
Protein change: p.Gly2616Arg; replaces glycine 2616 with arginine.
Molecular consequence: missense variant.
Genome position (GRCh38, 1-based): chr19:8,073,154, C>T on the plus strand (G>A on the coding strand, the complement: FBN3 is on the minus strand). VCF-style: chr19-8073154-C-T. GRCh37 (hg19) VCF-style: chr19-8138038-C-T.
Other names: c.7846G>A (NM_001321431.1); c.7846G>A, p.Gly2616Arg (NM_001321431.2); short protein forms G2616R.
Identifiers: ClinVar variation 710481 (VCV000710481.35), dbSNP rs142418616, ClinGen allele CA9150728.

ClinVar aggregate classification (germline): Benign/Likely benign. Review status: criteria provided, multiple submitters, no conflicts (2 of 4 stars). 4 submissions from 4 submitters: Benign (2); Likely benign (1). 1 of the submissions does not count toward it. Last evaluated 2026-01-14.

Conditions:
FBN3-related disorder. Also called: FBN3-related condition.

Allele frequency attached by ClinVar (database versions not stated): 1000 Genomes Project 30x 0.00187; 1000 Genomes Project 0.00200; TOPMed 0.00413; gnomAD 0.00494 and 0.00503; ESP Exome Variant Server 0.00538; gnomAD exomes 0.00629; ExAC 0.00646.
gnomAD v4.1: 11,814 of 1,613,844 alleles (0.73%); highest among the groups gnomAD compares: Non-Finnish European, 0.83%; 59 homozygotes.

Submissions (4):

Labcorp Genetics (formerly Invitae), Labcorp
Classification: Benign. Last evaluated: 2026-01-14. Review status: criteria provided, single submitter. Criteria: Invitae Variant Classification Sherloc (09022015). Collection method: clinical testing. Allele origin: germline.

CeGaT Center for Human Genetics Tuebingen
Classification: Likely benign. Last evaluated: 2023-11-01. Review status: criteria provided, single submitter. Criteria: CeGaT Center For Human Genetics Tuebingen Variant Classification Criteria Version 2. Collection method: clinical testing. Allele origin: germline. Affected: yes. Observed: 6 variant alleles.
Comment: FBN3: BS2

Breakthrough Genomics
Classification: Benign. Review status: criteria provided, single submitter. Criteria: ACMG Guidelines, 2015. Collection method: not provided. Allele origin: germline. Inheritance: Unknown mechanism. Affected: yes.

PreventionGenetics, part of Exact Sciences
Classification: Benign for FBN3-related condition. Last evaluated: 2019-03-04. Review status: no assertion criteria provided. Collection method: clinical testing. Allele origin: germline. Not counted in ClinVar's aggregate classification.
Comment: This variant is classified as benign based on ACMG/AMP sequence variant interpretation guidelines (Richards et al. 2015 PMID: 25741868, with internal and published modifications).